The following is an entry in ClinVar:

NM_001830.4(CLCN4):c.958T>A (p.Tyr320Asn)

Gene: CLCN4 (chloride voltage-gated channel 4; plus strand). Cytogenetic location: Xp22.2.
Variant type: single nucleotide variant.
Coding change: c.958T>A on transcript NM_001830.4 (MANE Select); coding-DNA position 958, T replaced by A.
Protein change: p.Tyr320Asn; replaces tyrosine 320 with asparagine.
Molecular consequence: missense variant.
Genome position (GRCh38, 1-based): chrX:10,208,159, T>A. VCF-style: chrX-10208159-T-A. GRCh37 (hg19) VCF-style: chrX-10176199-T-A.
Other names: c.676T>A, p.Tyr226Asn (NM_001256944.2); short protein forms Y226N, Y320N.
Identifiers: ClinVar variation 3764133 (VCV003764133.1).
Genomic context (GRCh38, chrX:10,208,159, plus strand): 5'-GTGGCGGCCTTTACGCTGAGATCCATCAATCCCTTTGGGAATAGCCGTCTCGTTCTCTTT[T>A]ATGTGGAATACCACACGCCCTGGTACATGGCTGAACTCTTCCCCTTCATCCTGCTTGGGG-3'
Protein context (NP_001821.2, residues 310-330): PFGNSRLVLF[Tyr320Asn]VEYHTPWYMA

ClinVar aggregate classification (germline): Uncertain significance (1 of 4 stars; one submission).

Submission:

GeneDx
Classification: Uncertain significance. Last evaluated: 2024-08-24. Review status: criteria provided, single submitter. Criteria: GeneDx Variant Classification Process June 2021. Collection method: clinical testing. Allele origin: germline. Affected: yes.
Comment: Not observed at significant frequency in large population cohorts (gnomAD); In silico analysis supports that this missense variant has a deleterious effect on protein structure/function; Has not been previously published as pathogenic or benign to our knowledge